The following is an entry in ClinVar:

ClinVar aggregate classification (germline): Pathogenic/Likely pathogenic. Review status: criteria provided, multiple submitters, no conflicts (2 of 4 stars). 14 submissions from 14 submitters: Pathogenic (11); Likely pathogenic (1). 2 of the submissions do not count toward it. Last evaluated 2026-03-26.

Conditions:
Retinal disorder. Also called: Retinal disorders; Retinopathy; Retinopathies; Retinal Diseases. Identifiers: MedGen C0035309, MONDO:0005283, HP:0000488.
CTC1-related disorder. Also called: CTC1-related condition.
Dyskeratosis congenita. Identifiers: Orphanet 1775, MedGen C0265965, MONDO:0015780.
Coats plus syndrome. Also called: Cerebroretinal microangiopathy with calcifications and cysts. Identifiers: Orphanet 313838, MedGen C2677299, MONDO:0012815.
Cerebroretinal microangiopathy with calcifications and cysts 1 (CRMCC1). Identifiers: Orphanet 313838, MedGen C4552029, MONDO:0024564, OMIM 612199.

Submissions (14):

Genetics Laboratory, Great Ormond Street Hospital NHS Foundation Trust, North Thames Genomic Laboratory Hub
Classification: Pathogenic for Retinal disorders. Last evaluated: 2026-03-26. Review status: criteria provided, single submitter. Criteria: ACGS Best Practice Guidelines for Variant Classification in Rare Disease 2024 v1.2. Collection method: clinical testing. Allele origin: germline. Affected: yes.
Comment: PM2_moderate, PVS1_very-strong

Labcorp Genetics (formerly Invitae), Labcorp
Classification: Pathogenic for Dyskeratosis congenita. Last evaluated: 2025-12-01. Review status: criteria provided, single submitter. Criteria: Invitae Variant Classification Sherloc (09022015). Collection method: clinical testing. Allele origin: germline.
Comment: This sequence change creates a premature translational stop signal (p.Leu1007Cysfs*62) in the CTC1 gene. It is expected to result in an absent or disrupted protein product. Loss-of-function variants in CTC1 are known to be pathogenic (PMID: 22267198, 22387016). This variant is present in population databases (rs199473680, gnomAD 0.1%). This premature translational stop signal has been observed in individual(s) with cerebroretinal microangiopathy with calcifications and cysts (PMID: 22387016). ClinVar contains an entry for this variant (Variation ID: 843472). For these reasons, this variant has been classified as Pathogenic.

3billion
Classification: Pathogenic for Cerebroretinal microangiopathy with calcifications and cysts 1. Last evaluated: 2025-07-24. Review status: criteria provided, single submitter. Criteria: ACMG Guidelines, 2015. Collection method: clinical testing. Allele origin: germline. Affected: yes.
Comment: The variant is observed at an extremely low frequency in the gnomAD v4.1.0 dataset (total allele frequency: 0.016%). Predicted Consequence/Location: Frameshift: predicted to result in a loss or disruption of normal protein function through nonsense-mediated decay (NMD) or protein truncation. Multiple pathogenic variants are reported downstream of the variant. The variant has been reported at least twice as pathogenic with clinical assertions and evidence for the classification (ClinVar ID: VCV000843472 /PMID: 22387016). Therefore, this variant is classified as Pathogenic according to the recommendation of ACMG/AMP guideline.

Women's Health and Genetics/Laboratory Corporation of America, LabCorp
Classification: Pathogenic for Cerebroretinal microangiopathy with calcifications and cysts 1. Last evaluated: 2025-05-27. Review status: criteria provided, single submitter. Criteria: LabCorp Variant Classification Summary - May 2015. Collection method: clinical testing. Allele origin: germline.
Comment: Variant summary: CTC1 c.3019delC (p.Leu1007CysfsX62) results in a premature termination codon, predicted to cause a truncation of the encoded protein or absence of the protein due to nonsense mediated decay, which are commonly known mechanisms for disease. The variant allele was found at a frequency of 0.00019 in 248864 control chromosomes (gnomAD). This frequency is not significantly higher than estimated for a pathogenic variant in CTC1 causing Cerebroretinal Microangiopathy With Calcifications And Cysts 1 (0.00019 vs 0.0011), allowing no conclusion about variant significance. c.3019delC has been observed in an individual affected with Cerebroretinal Microangiopathy With Calcifications And Cysts 1 (Polvi_2012). The following publication has been ascertained in the context of this evaluation (PMID: 22387016). ClinVar contains an entry for this variant (Variation ID: 843472). Based on the evidence outlined above, the variant was classified as pathogenic.

Blueprint Genetics
Classification: Likely pathogenic for CTC1-related disorders. Last evaluated: 2024-10-08. Review status: criteria provided, single submitter. Criteria: ACMG Guidelines, 2015. Collection method: clinical testing. Allele origin: germline. Affected: yes. Observed: 5 variant alleles.

Fulgent Genetics
Classification: Pathogenic for Cerebroretinal microangiopathy with calcifications and cysts 1. Last evaluated: 2024-04-26. Review status: criteria provided, single submitter. Criteria: ACMG Guidelines, 2015. Collection method: clinical testing. Allele origin: germline.

Institute of Human Genetics, University of Leipzig Medical Center
Classification: Pathogenic for Cerebroretinal microangiopathy with calcifications and cysts 1. Last evaluated: 2023-10-23. Review status: criteria provided, single submitter. Criteria: ACMG Guidelines, 2015. Collection method: clinical testing. Allele origin: maternal. Inheritance: Autosomal recessive inheritance. Affected: yes.
Comment: Criteria applied: PVS1,PM2_SUP,PS3_SUP,PM3

GeneDx
Classification: Pathogenic. Last evaluated: 2023-09-08. Review status: criteria provided, single submitter. Criteria: GeneDx Variant Classification Process June 2021. Collection method: clinical testing. Allele origin: germline. Affected: yes.
Comment: Frameshift variant predicted to result in protein truncation or nonsense mediated decay in a gene for which loss-of-function is a known mechanism of disease; Published functional studies demonstrate a damaging effect: anomalous telomere replication (Gu et al., 2013); This variant is associated with the following publications: (PMID: 22387016, 23869908, 34308104)

Genome-Nilou Lab
Classification: Pathogenic for Cerebroretinal microangiopathy with calcifications and cysts 1. Last evaluated: 2021-07-15. Review status: criteria provided, single submitter. Criteria: ACMG Guidelines, 2015. Collection method: clinical testing. Allele origin: germline. Affected: no.

Revvity Omics, Revvity
Classification: Pathogenic for Cerebroretinal microangiopathy with calcifications and cysts 1. Last evaluated: 2019-09-28. Review status: criteria provided, single submitter. Criteria: ACMG Guidelines, 2015. Collection method: clinical testing. Allele origin: germline.

Laboratory for Molecular Medicine, Mass General Brigham Personalized Medicine
Classification: Pathogenic for Coats plus syndrome. Last evaluated: 2017-04-04. Review status: criteria provided, single submitter. Criteria: ACMG Guidelines, 2015. Collection method: clinical testing. Allele origin: germline. Inheritance: Autosomal recessive inheritance.
Comment: This variant has also been identified in 0.02% (13/66568) of European chromosomes by the Exome Aggregation Consortium (ExAC; dbSNP rs199473680). This variant is predicted to cause a frameshift, which alters the protein’s amino acid sequence beginning at position 1007 and leads to a premature termination codon 62 amino acids downstream. This alteration is then predicted to lead to a truncated or absent protein. In vitro and mouse model functional studies also provide evidence that the p.Leu1007CysfsX62 variant impacts protein function (Gu 2013). No individuals affected with CRMCC1 reported to date are compound heterozygous or homozygous for 2 null variants, suggesting that biallelic null mutations might be incompatible with development (Anderson 2012). In summary, this variant meets criteria to be classified as pathogenic for CRMCC1 in an autosomal recessive manner based upon case observation, functional evidence and low frequency in controls.

Laboratoire de Génétique Moléculaire, CHU Bordeaux
Classification: Pathogenic. Review status: criteria provided, single submitter. Criteria: ACMG Guidelines, 2015. Collection method: clinical testing. Allele origin: germline. Affected: yes.

PreventionGenetics, part of Exact Sciences
Classification: Pathogenic for CTC1-related condition. Last evaluated: 2024-02-07. Review status: no assertion criteria provided. Collection method: clinical testing. Allele origin: germline. Not counted in ClinVar's aggregate classification.
Comment: The CTC1 c.3019delC variant is predicted to result in a frameshift and premature protein termination (p.Leu1007Cysfs*62). This variant has been reported in the compound heterozygous state in an individual with cerebroretinal microangiopathy with calcifications and cysts (CRMCC), while the patient’s heterozygous father was unaffected (Polvi et al. 2012. PubMed ID: 22387016). Functional studies of mouse CTC1 p.L1002*, which is the equivalent to human CTC1 p.Leu1007Cysfs*62, showed that the variant lead to a disruption of CST complex formation, which is necessary for telomere replication (Gu et al. 2013. PubMed ID: 23869908). This variant is reported in 0.11% of alleles in individuals of European (Finnish) descent in gnomAD. Frameshift variants in CTC1 are expected to be pathogenic. This variant is interpreted as pathogenic.

Genetic Services Laboratory, University of Chicago
Classification: Pathogenic. Last evaluated: 2022-11-28. Review status: no assertion criteria provided. Collection method: clinical testing. Allele origin: germline. Affected: yes. Not counted in ClinVar's aggregate classification.
Comment: DNA sequence analysis of the CTC1 gene demonstrated a single base pair deletion in exon 19, c.3019del. This sequence change results in an amino acid frameshift and creates a premature stop codon 61 amino acids downstream of the change, p.Leu1007Cysfs*62. This sequence change is predicted to result in an abnormal transcript, which may be degraded, or may lead to the production of a truncated CTC1 protein with potentially abnormal function. This sequence change has been described in the gnomAD database with a frequency of 0.11% in the Finnish subpopulation and 0.019% in the overall population (dbSNP rs199473680). This pathogenic sequence change has previously been described in the compound heterozygous state in an individual with cerebroretinal microangiopathy with calcifications and cysts (PMID: 22387016). A functional study in mouse cDNA indicates that this sequence change causes loss-of-function (PMID: 23869908). These collective evidences indicate that this sequence change is pathogenic.

Literature cited by the submitters: PubMed 22267198 (cited by Labcorp Genetics (formerly Invitae), Labcorp); PubMed 22387016 (cited by 4 submitters); PubMed 23869908 (cited by Laboratory for Molecular Medicine, Mass General Brigham Personalized Medicine).

NM_025099.6(CTC1):c.3019del (p.Leu1007fs)

Gene: CTC1 (CST telomere replication complex component 1; minus strand). Cytogenetic location: 17p13.1.
Variant type: Deletion.
Coding change: c.3019del on transcript NM_025099.6 (MANE Select); coding-DNA position 3019, one base deleted (C; older notation c.3019delC).
Protein change: p.Leu1007fs; shifts the reading frame from leucine 1007.
Molecular consequence: frameshift variant. On other transcripts: non-coding transcript variant (1).
Genome position (GRCh38, 1-based): chr17:8,229,439, G deleted on the plus strand (C on the coding strand, the reverse complement: CTC1 is on the minus strand); the first of 4 consecutive G bases (chr17:8,229,439-8,229,442); deleting any one gives the same sequence. VCF-style (leftmost placement, unchanged base first): chr17-8229438-AG-A. GRCh37 (hg19) VCF-style: chr17-8132756-AG-A.
Other names: c.3019delC (NM_025099.6); short protein forms L1007fs.
Identifiers: ClinVar variation 843472 (VCV000843472.27), dbSNP rs199473680, ClinGen allele CA8371901.